The following is an entry in ClinVar:

ClinVar aggregate classification (germline): Conflicting classifications of pathogenicity. Review status: criteria provided, conflicting classifications (1 of 4 stars). 15 submissions from 15 submitters: Uncertain significance (9); Likely benign (2). 4 of the submissions do not count toward it. Last evaluated 2026-01-22.

Conditions:
Cardiovascular phenotype. Identifiers: MedGen CN230736.
Arrhythmogenic right ventricular cardiomyopathy (ARVD). Also called: Arrhythmogenic Right Ventricular Cardiomyopathy (ARVC); Arrhythmogenic right ventricular dysplasia; Cardiomyopathy, ARVC; Arrhythmogenic cardiomyopathy. Identifiers: Orphanet 247, MedGen C0349788, MeSH D019571, MONDO:0016587. Disease mechanism: loss of function. Inheritance: Various modes of inheritance.
Dilated cardiomyopathy 1O (CMD1O). Also called: CARDIOMYOPATHY, DILATED, WITH VENTRICULAR TACHYCARDIA. Identifiers: Orphanet 154, MedGen C1837839, MONDO:0012062, OMIM 608569.

Submissions 1 to 7 of 15:

Labcorp Genetics (formerly Invitae), Labcorp
Classification: Likely benign for Dilated cardiomyopathy 1O. Last evaluated: 2026-01-22. Review status: criteria provided, single submitter. Criteria: Invitae Variant Classification Sherloc (09022015). Collection method: clinical testing. Allele origin: germline.

Dasa
Classification: Uncertain significance. Last evaluated: 2025-09-28. Review status: criteria provided, single submitter. Criteria: DASA Assertion Criteria. Collection method: clinical testing. Allele origin: germline.
Comment: NM_005691.4(ABCC9):c.4570_4572delinsAAAT (p.Leu1524Lysfs*5) is a frameshift variant in ABCC9 predicted to alter the reading frame and introduce a premature termination codon. This variant has been recurrently observed in individuals with ABCC9-related disorders (PMID: 35495129; PMID: 26899768; PMID: 28600387; PMID: 15034580; PMID: 24439875). Also, this variant is absent from population databases. The currently available literature and clinical evidence are not sufficient to establish a definitive association between this variant and the reported condition. Therefore, this variant is classified as a variant of uncertain significance.

Women's Health and Genetics/Laboratory Corporation of America, LabCorp
Classification: Likely benign. Last evaluated: 2025-08-19. Review status: criteria provided, single submitter. Criteria: LabCorp Variant Classification Summary - May 2015. Collection method: clinical testing. Allele origin: germline.
Comment: Variant summary: ABCC9 c.4570_4572delinsAAAT (p.Leu1524LysfsX5) results in a premature termination codon, predicted to cause a truncation of the encoded protein or absence of the protein due to nonsense mediated decay, however current evidence is not sufficient to establish loss of function as a mechanism for disease. The observed variant frequency within Non-Finnish European control individuals in the gnomAD database is approximately 54.4 fold of the estimated maximal expected allele frequency for a pathogenic variant in ABCC9 causing Dilated Cardiomyopathy phenotype (1.6e-05). c.4570_4572delinsAAAT has been reported in the literature in individuals affected with idiopathic Dilated Cardiomyopathy, Brugada syndrome, very early onset Atrial Fibrillation as well as in individuals who were analyzed for arrhythmia gene panel and diagnosis was unknown arrhythmia (Bienengraeber_2004, Hu_2013, Mellor_2017, van Lint_2019, Goodyer_2019, etc). At least one functional study reports experimental evidence evaluating an impact on protein function and this variant results in reducing the catalytic activity of NBD2 and physiological activation of the channel (Bienengraeber_2004). The following publications have been ascertained in the context of this evaluation (PMID: 15034580, 26899768, 32972544, 20664073, 31638414, 24439875, 31030551, 28600387, 23861362, 22337857, 20033705, 21846889, 18497752, 30847666, 26899768, 38837338, 35495129). ClinVar contains an entry for this variant (Variation ID: 222477). Based on the evidence outlined above, the variant was classified as likely benign.

GeneDx
Classification: Uncertain significance. Last evaluated: 2025-03-14. Review status: criteria provided, single submitter. Criteria: GeneDx Variant Classification Process June 2021. Collection method: clinical testing. Allele origin: germline. Affected: yes.
Comment: Reported in individuals affected with DCM, Brugada syndrome, or idiopathic cardiac arrest (PMID: 28600387, 15034580, 24439875, 26899768, 35495129); Functional studies suggest that this variant may lead to abnormal ATP-sensitive potassium channel function; however, additional functional evidence and segregation studies are needed to clarify the role of this variant in human disease (PMID: 15034580); Frameshift variant predicted to result in protein truncation, as the last 26 amino acids are replaced with 4 different amino acids in a gene for which loss of function is not an established mechanism of disease; Located in an alternate transcript of the gene.; This variant is associated with the following publications: (PMID: 20033705, 21846889, 24439875, 26899768, 23861362, 30215858, 30847666, 35495129, 28600387, 35276540, 31638414, 15034580, 36129056)

Mayo Clinic Laboratories, Mayo Clinic
Classification: Uncertain significance. Last evaluated: 2025-01-10. Review status: criteria provided, single submitter. Criteria: ACMG Guidelines, 2015. Collection method: clinical testing. Allele origin: germline. Observed: 1 variant allele.
Comment: BS1, PS3_supporting

Ambry Genetics
Classification: Uncertain significance for Cardiovascular phenotype. Last evaluated: 2024-05-06. Review status: criteria provided, single submitter. Criteria: Ambry Variant Classification Scheme 2023. Collection method: clinical testing. Allele origin: germline.
Comment: The c.4570_4572delTTAinsAAAT variant, located in coding exon 38 of the ABCC9 gene, results from the deletion of 3 nucleotides and insertion of 4 nucleotides causing a translational frameshift with a predicted alternate stop codon (p.L1524Kfs*5). This variant was reported in two patients with dilated cardiomyopathy, one of whom also harbored a TTN frameshift alteration, an individual with Brugada syndrome, and an individual from a cardiac arrest cohort (Bienengraeber M et al. Nat. Genet., 2004 Apr;36:382-7; Hu D et al. Int. J. Cardiol., 2014 Feb;171:431-42; Cuenca S et al. J. Heart Lung Transplant., 2016 May;35:625-35; Mellor G et al. Circ Cardiovasc Genet. 2017 Jun;10(3):e001686). This alteration has also been reported as a secondary cardiac variant in an exome cohort (Ng D et al. Circ Cardiovasc Genet, 2013 Aug;6:337-46). This variant was detected in a cardiomyopathy/arrhythmia genetic testing cohort; however, clinical details were limited, and additional cardiac variants were detected in some cases (van Lint FHM et al. Neth Heart J, 2019 Jun;27:304-309). In vitro functional studies suggest that this variant causes aberrant K-ATP channel gating, but the impact of this aberrant gating on cardiomyocyte function in vivo is unknown (Bienengraeber M et al. Nat. Genet., 2004 Apr;36:382-7). This alteration is expected to result in loss of function by premature protein truncation. However, loss of function of ABCC9 has not been clearly established as a mechanism of disease, and similar truncating variants have been reported in control populations in the gnomAD dataset. Since supporting evidence is limited at this time, the clinical significance of this alteration remains unclear.

CeGaT Center for Human Genetics Tuebingen
Classification: Uncertain significance. Last evaluated: 2023-11-01. Review status: criteria provided, single submitter. Criteria: CeGaT Center For Human Genetics Tuebingen Variant Classification Criteria Version 2. Collection method: clinical testing. Allele origin: germline. Affected: yes. Observed: 1 variant allele.
Comment: ABCC9: PM2

NM_020297.4(ABCC9):c.4512+744_4512+746delinsAAAT

Genes: KCNJ8-AS1 (KCNJ8 antisense RNA 1; plus strand), ABCC9 (ATP binding cassette subfamily C member 9; minus strand). Cytogenetic location: 12p12.1.
Variant type: Indel.
Coding change: c.4512+744_4512+746delinsAAAT on transcript NM_020297.4 (MANE Select); bases 744 to 746 of the intron after coding-DNA position 4512, TTA replaced by AAAT.
Molecular consequence: intron variant. On other transcripts: frameshift variant (1).
Genome position (GRCh38, 1-based): chr12:21,805,252-21,805,254, TAA replaced by ATTT on the plus strand (TTA replaced by AAAT on the coding strand, the reverse complement: ABCC9 is on the minus strand). VCF-style: chr12-21805252-TAA-ATTT. GRCh37 (hg19) VCF-style: chr12-21958186-TAA-ATTT.
Other names: c.4570_4572delTTAinsAAAT (NM_005691.3); c.4570_4572delinsAAAT, p.Leu1524fs (NM_005691.4); c.3645+744_3645+746delinsAAAT (NM_001377274.1); c.4512+744_4512+746delinsAAAT (NM_001377273.1); short protein forms L1524fs.
Identifiers: ClinVar variation 222477 (VCV000222477.61), dbSNP rs869025349, ClinGen allele CA352022.
Genomic context (GRCh38, chr12:21,805,252, plus strand): 5'-CAAAGTGGAAAAGAGGCCATTCTTGTGGGCGAGCAAATTTGGGACAGTATCACACTCCAC[TAA>ATTT]AATACCCTCAGAAAAGACTAAAACAAGGCCTGCATCCATAATAGAAGAGACACGGTGCTG-3'